The following is an entry in ClinVar:

ClinVar aggregate classification (germline): Uncertain significance. Review status: criteria provided, multiple submitters, no conflicts (2 of 4 stars). 2 submissions from 2 submitters: Uncertain significance (2). Last evaluated 2025-03-31.

Conditions:
Hereditary cancer-predisposing syndrome. Also called: Tumor predisposition; Hereditary Cancer Syndrome; Neoplastic Syndromes, Hereditary; Hereditary neoplastic syndrome. Identifiers: Orphanet 140162, MedGen C0027672, MeSH D009386, MONDO:0015356.

Allele frequency attached by ClinVar (database versions not stated): gnomAD exomes below 0.00001; TOPMed below 0.00001.
gnomAD v4.1: 1 of 1,614,162 alleles (0.000062%); highest among the groups gnomAD compares: Non-Finnish European, 0.000085%; no homozygotes.

Submissions (2):

Labcorp Genetics (formerly Invitae), Labcorp
Classification: Uncertain significance. Last evaluated: 2025-03-31. Review status: criteria provided, single submitter. Criteria: Invitae Variant Classification Sherloc (09022015). Collection method: clinical testing. Allele origin: germline.
Comment: This sequence change replaces isoleucine, which is neutral and non-polar, with valine, which is neutral and non-polar, at codon 318 of the MSH3 protein (p.Ile318Val). This variant is not present in population databases (gnomAD no frequency). This variant has not been reported in the literature in individuals affected with MSH3-related conditions. ClinVar contains an entry for this variant (Variation ID: 823317). An algorithm developed to predict the effect of missense changes on protein structure and function outputs the following: PolyPhen-2: "Benign". The valine amino acid residue is found in multiple mammalian species, which suggests that this missense change does not adversely affect protein function. In summary, the available evidence is currently insufficient to determine the role of this variant in disease. Therefore, it has been classified as a Variant of Uncertain Significance.

Ambry Genetics
Classification: Uncertain significance for Hereditary cancer-predisposing syndrome. Last evaluated: 2023-09-14. Review status: criteria provided, single submitter. Criteria: Ambry Variant Classification Scheme 2023. Collection method: clinical testing. Allele origin: germline.
Comment: The p.I318V variant (also known as c.952A>G), located in coding exon 6 of the MSH3 gene, results from an A to G substitution at nucleotide position 952. The isoleucine at codon 318 is replaced by valine, an amino acid with highly similar properties. This amino acid position is poorly conserved in available vertebrate species. In addition, this alteration is predicted to be tolerated by in silico analysis. Since supporting evidence is limited at this time, the clinical significance of this alteration remains unclear.

NM_002439.5(MSH3):c.952A>G (p.Ile318Val)

Genes: MSH3 (mutS homolog 3; plus strand), LOC126807437 (MED14-independent group 3 enhancer GRCh37_chr5:79968379-79969578; plus strand). Cytogenetic location: 5q14.1.
Variant type: single nucleotide variant.
Coding change: c.952A>G on transcript NM_002439.5 (MANE Select); coding-DNA position 952, A replaced by G.
Protein change: p.Ile318Val; replaces isoleucine 318 with valine.
Molecular consequence: missense variant.
Genome position (GRCh38, 1-based): chr5:80,672,783, A>G. VCF-style: chr5-80672783-A-G. GRCh37 (hg19) VCF-style: chr5-79968602-A-G.
Other names: short protein forms I318V.
Identifiers: ClinVar variation 823317 (VCV000823317.15), dbSNP rs1580552250, ClinGen allele CA360267406.